The following is an entry in ClinVar:

NM_002016.2(FLG):c.9900G>A (p.Glu3300=)

Genes: CCDST (cervical cancer associated DHX9 suppressive transcript; plus strand), FLG (filaggrin; minus strand). Cytogenetic location: 1q21.3.
Variant type: single nucleotide variant.
Coding change: c.9900G>A on transcript NM_002016.2 (MANE Select); coding-DNA position 9900, G replaced by A.
Protein change: p.Glu3300=; no amino-acid change (glutamic acid 3300 retained).
Molecular consequence: synonymous variant.
Genome position (GRCh38, 1-based): chr1:152,304,986, C>T on the plus strand (G>A on the coding strand, the complement: FLG is on the minus strand). VCF-style: chr1-152304986-C-T. GRCh37 (hg19) VCF-style: chr1-152277462-C-T.
Identifiers: ClinVar variation 3904891 (VCV003904891.11).

ClinVar aggregate classification (germline): Likely benign. Review status: criteria provided, multiple submitters, no conflicts (2 of 4 stars). 2 submissions from 2 submitters: Likely benign (2). Last evaluated 2025-12-01.

Submissions (2):

CeGaT Center for Human Genetics Tuebingen
Classification: Likely benign. Last evaluated: 2025-12-01. Review status: criteria provided, single submitter. Criteria: CeGaT Center For Human Genetics Tuebingen Variant Classification Criteria Version 2. Collection method: clinical testing. Allele origin: germline. Affected: yes. Observed: 2 variant alleles.
Comment: FLG: BP4, BP7

Blueprint Genetics
Classification: Likely benign. Last evaluated: 2022-02-18. Review status: criteria provided, single submitter. Criteria: ACMG Guidelines, 2015. Collection method: clinical testing. Allele origin: germline.